The following is an entry in ClinVar:

ClinVar aggregate classification (germline): Likely benign (0 of 4 stars; one submission).

Conditions:
XIRP2-related disorder. Also called: XIRP2-related condition.

Allele frequency attached by ClinVar (database versions not stated): TOPMed 0.00006; gnomAD 0.00016; 1000 Genomes Project 30x 0.00141; 1000 Genomes Project 0.00180.
gnomAD v4.1: 284 of 1,613,404 alleles (0.018%); highest among the groups gnomAD compares: South Asian, 0.27%; no homozygotes.

Submission:

PreventionGenetics, part of Exact Sciences
Classification: Likely benign for XIRP2-related condition. Last evaluated: 2023-02-16. Review status: no assertion criteria provided. Collection method: clinical testing. Allele origin: germline.
Comment: This variant is classified as likely benign based on ACMG/AMP sequence variant interpretation guidelines (Richards et al. 2015 PMID: 25741868, with internal and published modifications).

NM_152381.6(XIRP2):c.8343A>G (p.Thr2781=)

Gene: XIRP2 (xin actin binding repeat containing 2; plus strand). Cytogenetic location: 2q24.3.
Variant type: single nucleotide variant.
Coding change: c.8343A>G on transcript NM_152381.6 (MANE Select); coding-DNA position 8343, A replaced by G.
Protein change: p.Thr2781=; no amino-acid change (threonine 2781 retained).
Molecular consequence: synonymous variant. On other transcripts: intron variant (3).
Genome position (GRCh38, 1-based): chr2:167,249,735, A>G. VCF-style: chr2-167249735-A-G. GRCh37 (hg19) VCF-style: chr2-168106245-A-G.
Other names: c.7677A>G, p.Thr2559= (NM_001199144.2); c.1276-4297A>G (NM_001199143.2); c.1177-4297A>G (NM_001079810.4); c.511-4297A>G (NM_001199145.2).
Identifiers: ClinVar variation 3032796 (VCV003032796.2), dbSNP rs531584383, ClinGen allele CA1947803.
Genomic context (GRCh38, chr2:167,249,735, plus strand): 5'-TCATAAGCAATCTCTGGCTGAAAGACATTATCAGTTACCTAAGAAGGAGAAAAGAGTGAC[A>G]GTACAATTGCCTACAGAATCCATACAGAAGAACCAGGAAGATAAGCTCAAGATGGTTCCC-3'
Protein context (NP_689594.4, residues 2771-2791): YQLPKKEKRV[Thr2781=]VQLPTESIQK